The following is an entry in ClinVar:

NM_001365276.2(TNXB):c.4111G>A (p.Glu1371Lys)

Gene: TNXB (tenascin XB; minus strand). Cytogenetic location: 6p21.33.
Variant type: single nucleotide variant.
Coding change: c.4111G>A on transcript NM_001365276.2 (MANE Select); coding-DNA position 4111, G replaced by A.
Protein change: p.Glu1371Lys; replaces glutamic acid 1371 with lysine.
Molecular consequence: missense variant.
Genome position (GRCh38, 1-based): chr6:32,079,297, C>T on the plus strand (G>A on the coding strand, the complement: TNXB is on the minus strand). VCF-style: chr6-32079297-C-T. GRCh37 (hg19) VCF-style: chr6-32047074-C-T.
Other names: c.4111G>A, p.Glu1371Lys (NM_019105.8); c.4111G>A (NM_019105.6); short protein forms E1371K.
Identifiers: ClinVar variation 1711187 (VCV001711187.7), dbSNP rs760334908, ClinGen allele CA3735024.

ClinVar aggregate classification (germline): Uncertain significance. Review status: criteria provided, multiple submitters, no conflicts (2 of 4 stars). 4 submissions from 4 submitters: Uncertain significance (2). 2 of the submissions do not count toward it. Last evaluated 2025-09-22.

Conditions:
TNXB-related disorder. Also called: TNXB-related condition.
Cardiovascular phenotype. Identifiers: MedGen CN230736.
Ehlers-Danlos syndrome due to tenascin-X deficiency (EDSCLL1). Also called: EHLERS-DANLOS SYNDROME, CLASSIC-LIKE; Ehlers-Danlos syndrome, classic-like, 1; TNXB-Related Classical-Like Ehlers-Danlos Syndrome; EDS DUE TO TNX DEFICIENCY; TNX DEFICIENCY. Identifiers: Orphanet 230839, MedGen C1848029, MONDO:0011670, OMIM 606408.

Allele frequency attached by ClinVar (database versions not stated): ExAC 0.00004.
gnomAD v4.1: 157 of 1,612,724 alleles (0.0097%); highest among the groups gnomAD compares: Non-Finnish European, 0.012%; no homozygotes.

Submissions (4):

Women's Health and Genetics/Laboratory Corporation of America, LabCorp
Classification: Uncertain significance. Last evaluated: 2025-09-22. Review status: criteria provided, single submitter. Criteria: LabCorp Variant Classification Summary - May 2015. Collection method: clinical testing. Allele origin: germline.
Comment: Variant summary: TNXB c.4111G>A (p.Glu1371Lys) results in a conservative amino acid change in the encoded protein sequence. Algorithms developed to predict the effect of missense changes on protein structure and function all suggest that this variant is likely to be tolerated. The variant allele was found at a frequency of 3.3e-05 in 243750 control chromosomes. The available data on variant occurrences in the general population are insufficient to allow any conclusion about variant significance. c.4111G>A has been observed in the compound heterozygous state in an individual with single kidney agenesis and vesicoureteral reflux (Liang_2024). This report does not provide unequivocal conclusions about association of the variant with TNXB-related conditions. To our knowledge, no experimental evidence demonstrating an impact on protein function has been reported. The following publication has been ascertained in the context of this evaluation (PMID: 38370350). ClinVar contains an entry for this variant (Variation ID: 1711187). Based on the evidence outlined above, the variant was classified as uncertain significance.

Ambry Genetics
Classification: Uncertain significance for Cardiovascular phenotype. Last evaluated: 2025-04-13. Review status: criteria provided, single submitter. Criteria: Ambry Variant Classification Scheme 2023. Collection method: clinical testing. Allele origin: germline.
Comment: The p.E1371K variant (also known as c.4111G>A), located in coding exon 10 of the TNXB gene, results from a G to A substitution at nucleotide position 4111. The glutamic acid at codon 1371 is replaced by lysine, an amino acid with similar properties. This amino acid position is conserved. In addition, this alteration is predicted to be tolerated by in silico analysis. Since supporting evidence is limited at this time, the clinical significance of this alteration remains unclear.

PreventionGenetics, part of Exact Sciences
Classification: Uncertain significance for TNXB-related condition. Last evaluated: 2024-08-01. Review status: no assertion criteria provided. Collection method: clinical testing. Allele origin: germline. Not counted in ClinVar's aggregate classification.
Comment: The TNXB c.4111G>A variant is predicted to result in the amino acid substitution p.Glu1371Lys. This variant has been reported in the compound heterozygous state in an individual with right renal agenesis and left hydronephrosis (Liang et al. 2024. PubMed ID: 38370350). This variant is reported in 0.013% of alleles in individuals of South Asian descent in gnomAD. At this time, the clinical significance of this variant is uncertain due to the absence of conclusive functional and genetic evidence.

Prenatal Diagnosis Center, Inner Mongolia Medical University
Classification: Likely pathogenic for Ehlers-Danlos syndrome due to tenascin-X deficiency. Last evaluated: 2022-06-30. Review status: no assertion criteria provided. Collection method: clinical testing. Allele origin: paternal. Affected: yes. Observed: 2 variant alleles. Not counted in ClinVar's aggregate classification.

Literature cited by the submitters: PubMed 38370350 (cited by Women's Health and Genetics/Laboratory Corporation of America, LabCorp).